The following is an entry in ClinVar:

NM_005751.5(AKAP9):c.5852A>T (p.Glu1951Val)

Gene: AKAP9 (A-kinase anchoring protein 9; plus strand). Cytogenetic location: 7q21.2.
Variant type: single nucleotide variant.
Coding change: c.5852A>T on transcript NM_005751.5 (MANE Select); coding-DNA position 5852, A replaced by T.
Protein change: p.Glu1951Val; replaces glutamic acid 1951 with valine.
Molecular consequence: missense variant.
Genome position (GRCh38, 1-based): chr7:92,062,361, A>T. VCF-style: chr7-92062361-A-T. GRCh37 (hg19) VCF-style: chr7-91691675-A-T.
Other names: c.497A>T, p.Glu166Val (NM_001379277.1); c.5852A>T, p.Glu1951Val (NM_147185.3); short protein forms E1951V, E166V.
Identifiers: ClinVar variation 4845176 (VCV004845176.1).
Genomic context (GRCh38, chr7:92,062,361, plus strand): 5'-AAACTCTTTTTGAAAGGCAAATTCAGGAAAAAACTGATATAATAGATCGTCTTGAGCAGG[A>T]GTTGTTATGTGCAAGTAACAGGTTGCAAGAATTGGAGGCAGAGCAACAGCAGATCCAAGA-3'
Protein context (NP_005742.4, residues 1941-1961): KTDIIDRLEQ[Glu1951Val]LLCASNRLQE

ClinVar aggregate classification (germline): Uncertain significance (1 of 4 stars; one submission).

Conditions:
Cardiovascular phenotype. Identifiers: MedGen CN230736.

gnomAD v4.1: 2 of 1,613,836 alleles (0.00012%); highest among the groups gnomAD compares: Non-Finnish European, 0.00017%; no homozygotes.

Submission:

Ambry Genetics
Classification: Uncertain significance for Cardiovascular phenotype. Last evaluated: 2026-02-19. Review status: criteria provided, single submitter. Criteria: Ambry Variant Classification Scheme 2023. Collection method: clinical testing. Allele origin: germline.
Comment: The p.E1951V variant (also known as c.5852A>T), located in coding exon 24 of the AKAP9 gene, results from an A to T substitution at nucleotide position 5852. The glutamic acid at codon 1951 is replaced by valine, an amino acid with dissimilar properties. This amino acid position is conserved. In addition, the in silico prediction for this alteration is inconclusive. Based on the available evidence, the clinical significance of this variant remains unclear.